The following is an entry in ClinVar:

ClinVar aggregate classification (germline): Uncertain significance (1 of 4 stars; one submission).

Conditions:
Mitochondrial pyruvate carrier deficiency (MPYCD). Identifiers: Orphanet 447784, MedGen C3553607, MONDO:0013877, OMIM 614741.

Submission:

Baylor Genetics
Classification: Uncertain significance for Mitochondrial pyruvate carrier deficiency. Last evaluated: 2020-06-03. Review status: criteria provided, single submitter. Criteria: ACMG Guidelines, 2015. Collection method: clinical testing. Allele origin: unknown. Affected: yes.
Comment: This variant was determined to be of uncertain significance according to ACMG Guidelines, 2015 [PMID:25741868].

NM_016098.4(MPC1):c.220C>A (p.Gln74Lys)

Gene: MPC1 (mitochondrial pyruvate carrier 1; minus strand). Cytogenetic location: 6q27.
Variant type: single nucleotide variant.
Coding change: c.220C>A on transcript NM_016098.4 (MANE Select); coding-DNA position 220, C replaced by A.
Protein change: p.Gln74Lys; replaces glutamine 74 with lysine.
Molecular consequence: missense variant. On other transcripts: non-coding transcript variant (2), intron variant (1).
Genome position (GRCh38, 1-based): chr6:166,366,059, G>T on the plus strand (C>A on the coding strand, the complement: MPC1 is on the minus strand). VCF-style: chr6-166366059-G-T. GRCh37 (hg19) VCF-style: chr6-166779547-G-T.
Other names: c.91C>A, p.Gln31Lys (NM_001270879.2, NM_001376565.1, NM_001376566.1 and 2 more transcripts); c.173-3C>A (NM_001376569.1); short protein forms Q74K, Q31K.
Identifiers: ClinVar variation 1029576 (VCV001029576.1), dbSNP rs1779140481, ClinGen allele CA366398329.
Genomic context (GRCh38, chr6:166,366,059, plus strand): 5'-GGATGAGCTGGGCTACTTCATTTGTTGCGTGGCATGCAAACAGAAGCCAGTTCCGAGGCT[G>T]TACCTTGTAGGCAAATCTCATGAATGTCAAAGAATAGCAACAGAGGGCTGCCAAAAATAG-3'
Protein context (NP_057182.1, residues 64-84): LTFMRFAYKV[Gln74Lys]PRNWLLFACH